The following is an entry in ClinVar:

ClinVar aggregate classification (germline): Conflicting classifications of pathogenicity. Review status: criteria provided, conflicting classifications (1 of 4 stars). 3 submissions from 3 submitters: Uncertain significance (2); Likely benign (1). Last evaluated 2024-01-25.

Conditions:
Developmental delay, hypotonia, musculoskeletal defects, and behavioral abnormalities. Identifiers: MedGen C5562012, MONDO:0859202, OMIM 619595.
Floating-Harbor syndrome (FLHS). Also called: Short stature with delayed bone age, expressive language delay, a triangular face with a prominent nose and deep-set eyes; Pelletier-Leisti syndrome; SRCAP-Related Floating-Harbor Syndrome. Identifiers: Orphanet 2044, MedGen C0729582, MONDO:0007621, OMIM 136140.
Intellectual disability. Also called: Intellectual functioning disability; intellectual disabilities; Intellectual developmental disorder. Identifiers: MedGen C3714756, MeSH D008607, MONDO:0001071, HP:0001249.

Allele frequency attached by ClinVar (database versions not stated): TOPMed 0.00001; gnomAD 0.00002; gnomAD exomes 0.00002; ExAC 0.00002.
gnomAD v4.1: 26 of 1,613,194 alleles (0.0016%); highest among the groups gnomAD compares: Admixed American, 0.0033%; no homozygotes.

Submissions (3):

Fulgent Genetics
Classification: Uncertain significance for Floating-Harbor syndrome; Developmental delay, hypotonia, musculoskeletal defects, and behavioral abnormalities. Last evaluated: 2024-01-25. Review status: criteria provided, single submitter. Criteria: ACMG Guidelines, 2015. Collection method: clinical testing. Allele origin: germline.

Labcorp Genetics (formerly Invitae), Labcorp
Classification: Uncertain significance. Last evaluated: 2023-07-25. Review status: criteria provided, single submitter. Criteria: Invitae Variant Classification Sherloc (09022015). Collection method: clinical testing. Allele origin: germline.
Comment: In summary, the available evidence is currently insufficient to determine the role of this variant in disease. Therefore, it has been classified as a Variant of Uncertain Significance. Advanced modeling of protein sequence and biophysical properties (such as structural, functional, and spatial information, amino acid conservation, physicochemical variation, residue mobility, and thermodynamic stability) performed at Invitae indicates that this missense variant is not expected to disrupt SRCAP protein function. This variant has not been reported in the literature in individuals affected with SRCAP-related conditions. This variant is present in population databases (rs749939097, gnomAD 0.006%). This sequence change replaces threonine, which is neutral and polar, with alanine, which is neutral and non-polar, at codon 1690 of the SRCAP protein (p.Thr1690Ala).

Cambridge Genomics Laboratory, East Genomic Laboratory Hub, NHS Genomic Medicine Service
Classification: Likely benign for Intellectual disability. Last evaluated: 2020-07-13. Review status: criteria provided, single submitter. Criteria: ACGS Best Practice Guidelines for Variant Classification in Rare Disease 2020. Collection method: clinical testing. Allele origin: germline. Affected: yes. Observed: 1 variant allele.

NM_006662.3(SRCAP):c.5068A>G (p.Thr1690Ala)

Gene: SRCAP (Snf2 related CREBBP activator protein; plus strand). Cytogenetic location: 16p11.2.
Variant type: single nucleotide variant.
Coding change: c.5068A>G on transcript NM_006662.3 (MANE Select); coding-DNA position 5068, A replaced by G.
Protein change: p.Thr1690Ala; replaces threonine 1690 with alanine.
Molecular consequence: missense variant.
Genome position (GRCh38, 1-based): chr16:30,724,492, A>G. VCF-style: chr16-30724492-A-G. GRCh37 (hg19) VCF-style: chr16-30735813-A-G.
Other names: short protein forms T1690A.
Identifiers: ClinVar variation 2783063 (VCV002783063.5), dbSNP rs749939097, ClinGen allele CA8011895.
Genomic context (GRCh38, chr16:30,724,492, plus strand): 5'-TCACCTCTCCCGAGCCCGGCTTCTACGCAGACACTGGCCCTAGCCCCAGCTTTAGCACCC[A>G]CTCTTGGAGGCTCATCTCCATCTCAGACACTCTCTTTGGGAACGGGGAACCCCCAGGGAC-3'
Protein context (NP_006653.2, residues 1680-1700): TLALAPALAP[Thr1690Ala]LGGSSPSQTL